The following is an entry in ClinVar:

ClinVar aggregate classification (germline): Uncertain significance (1 of 4 stars; one submission).

Allele frequency attached by ClinVar (database versions not stated): gnomAD exomes below 0.00001; ExAC 0.00001.
gnomAD v4.1: 2 of 1,602,472 alleles (0.00012%); highest among the groups gnomAD compares: South Asian, 0.0011%; no homozygotes.

Submission:

Women's Health and Genetics/Laboratory Corporation of America, LabCorp
Classification: Uncertain significance. Last evaluated: 2023-08-02. Review status: criteria provided, single submitter. Criteria: LabCorp Variant Classification Summary - May 2015. Collection method: clinical testing. Allele origin: germline.
Comment: Variant summary: RDH12 c.770C>T (p.Thr257Met) results in a non-conservative amino acid change in the encoded protein sequence. Five of five in-silico tools predict a damaging effect of the variant on protein function. The variant allele was found at a frequency of 8.3e-06 in 242354 control chromosomes (gnomAD). The available data on variant occurrences in the general population are insufficient to allow any conclusion about variant significance. c.770C>T has been reported in the literature in at least one compound heterozygous individual affected with retinitis pigmentosa (e.g., Jin_2022). These data do not allow any conclusion about variant significance. To our knowledge, no experimental evidence demonstrating an impact on protein function has been reported. The following publication was ascertained in the context of this evaluation (PMID: 35006499). No submitters have cited clinical-significance assessments for this variant to ClinVar after 2014. Based on the evidence outlined above, the variant was classified as uncertain significance.

Literature cited by the submitters: PubMed 35006499.

NM_152443.3(RDH12):c.770C>T (p.Thr257Met)

Genes: GPHN (gephyrin; plus strand), RDH12 (retinol dehydrogenase 12; plus strand), ZFYVE26 (zinc finger FYVE-type containing 26; minus strand). Cytogenetic location: 14q24.1.
Variant type: single nucleotide variant.
Coding change: c.770C>T on transcript NM_152443.3 (MANE Select); coding-DNA position 770, C replaced by T.
Protein change: p.Thr257Met; replaces threonine 257 with methionine.
Molecular consequence: missense variant.
Genome position (GRCh38, 1-based): chr14:67,729,302, C>T. VCF-style: chr14-67729302-C-T. GRCh37 (hg19) VCF-style: chr14-68196019-C-T.
Other names: short protein forms T257M.
Identifiers: ClinVar variation 2581254 (VCV002581254.1), dbSNP rs777133046, ClinGen allele CA7238813.